The following is an entry in ClinVar:

ClinVar aggregate classification (germline): Uncertain significance (1 of 4 stars; one submission).

Submission:

Labcorp Genetics (formerly Invitae), Labcorp
Classification: Uncertain significance. Last evaluated: 2023-08-04. Review status: criteria provided, single submitter. Criteria: Invitae Variant Classification Sherloc (09022015). Collection method: clinical testing. Allele origin: germline.
Comment: In summary, the available evidence is currently insufficient to determine the role of this variant in disease. Therefore, it has been classified as a Variant of Uncertain Significance. Advanced modeling of protein sequence and biophysical properties (such as structural, functional, and spatial information, amino acid conservation, physicochemical variation, residue mobility, and thermodynamic stability) performed at Invitae indicates that this missense variant is not expected to disrupt MYH3 protein function. ClinVar contains an entry for this variant (Variation ID: 2094981). This variant has not been reported in the literature in individuals affected with MYH3-related conditions. This variant is not present in population databases (gnomAD no frequency). This sequence change replaces glutamic acid, which is acidic and polar, with alanine, which is neutral and non-polar, at codon 1224 of the MYH3 protein (p.Glu1224Ala).

NM_002470.4(MYH3):c.3671A>C (p.Glu1224Ala)

Gene: MYH3 (myosin heavy chain 3; minus strand). Cytogenetic location: 17p13.1.
Variant type: single nucleotide variant.
Coding change: c.3671A>C on transcript NM_002470.4 (MANE Select); coding-DNA position 3671, A replaced by C.
Protein change: p.Glu1224Ala; replaces glutamic acid 1224 with alanine.
Molecular consequence: missense variant.
Genome position (GRCh38, 1-based): chr17:10,638,101, T>G on the plus strand (A>C on the coding strand, the complement: MYH3 is on the minus strand). VCF-style: chr17-10638101-T-G. GRCh37 (hg19) VCF-style: chr17-10541418-T-G.
Other names: short protein forms E1224A.
Identifiers: ClinVar variation 2094981 (VCV002094981.4), dbSNP rs2508592330, ClinGen allele CA398150666.